The following is an entry in ClinVar:

NM_000264.5(PTCH1):c.945+1G>A

Gene: PTCH1 (patched 1; minus strand). Cytogenetic location: 9q22.32.
Variant type: single nucleotide variant.
Coding change: c.945+1G>A on transcript NM_000264.5 (MANE Select); the canonical splice donor site of the intron after coding-DNA position 945, G replaced by A.
Molecular consequence: splice donor variant.
Genome position (GRCh38, 1-based): chr9:95,480,389, C>T on the plus strand (G>A on the coding strand, the complement: PTCH1 is on the minus strand). VCF-style: chr9-95480389-C-T. GRCh37 (hg19) VCF-style: chr9-98242671-C-T.
Other names: c.942+1G>A (NM_001083603.3); c.747+1G>A (NM_001083602.3); c.945+1G>A (NM_001354918.2); c.492+1G>A (NM_001083605.3, NM_001083604.3, NM_001083606.3 and 1 more transcripts).
Identifiers: ClinVar variation 215987 (VCV000215987.12), dbSNP rs863224444, ClinGen allele CA338385.

ClinVar aggregate classification (germline): Pathogenic. Review status: criteria provided, multiple submitters, no conflicts (2 of 4 stars). 2 submissions from 2 submitters: Pathogenic (2). Last evaluated 2025-07-01.

Conditions:
Hereditary cancer-predisposing syndrome. Also called: Tumor predisposition; Hereditary Cancer Syndrome; Neoplastic Syndromes, Hereditary; Hereditary neoplastic syndrome. Identifiers: Orphanet 140162, MedGen C0027672, MeSH D009386, MONDO:0015356.
Gorlin syndrome. Also called: Nevoid Basal Cell Carcinoma Syndrome; Basal cell nevus syndrome. Identifiers: Orphanet 377, MedGen C0004779, MONDO:0007187.

Submissions (2):

Ambry Genetics
Classification: Pathogenic for Hereditary cancer-predisposing syndrome. Last evaluated: 2025-07-01. Review status: criteria provided, single submitter. Criteria: Ambry Variant Classification Scheme 2023. Collection method: clinical testing. Allele origin: germline.
Comment: The c.945+1G>A intronic pathogenic mutation results from a G to A substitution one nucleotide after coding exon 6 of the PTCH1 gene. This nucleotide position is highly conserved in available vertebrate species. In silico splice site analysis predicts that this alteration will weaken the native splice donor site. Another variant, PTCH1 c.945+1G>C, at this nucleotide position has been reported in patients with Nevoid Basal Cell Carcinoma syndrome (Savino M et al. Hum. Mutat. 2004 Nov;24:441; Alonso N et al. Br. J. Dermatol. 2018 Jan;178:198-206). This variant is considered to be rare based on population cohorts in the Genome Aggregation Database (gnomAD). In addition to the clinical data presented in the literature, alterations that disrupt the canonical splice site are expected to cause aberrant splicing, resulting in an abnormal protein or a transcript that is subject to nonsense-mediated mRNA decay. As such, this alteration is classified as a disease-causing mutation.

Labcorp Genetics (formerly Invitae), Labcorp
Classification: Pathogenic for Gorlin syndrome. Last evaluated: 2015-12-09. Review status: criteria provided, single submitter. Criteria: Invitae Variant Classification Sherloc (09022015). Collection method: clinical testing. Allele origin: germline.
Comment: This sequence change affects a donor splice site in intron 6. It is expected to disrupt mRNA splicing and likely results in an absent or disrupted protein product. Truncating variants in PTCH1 are known to be pathogenic (PMID: 15459969). For these reasons, this variant has been classified as Pathogenic.

Literature cited by the submitters: PubMed 15459969 (cited by Ambry Genetics and Labcorp Genetics (formerly Invitae), Labcorp); PubMed 28733979 (cited by Ambry Genetics).